The following is an entry in ClinVar:

NM_152564.5(VPS13B):c.5502G>A (p.Ser1834=)

Gene: VPS13B (vacuolar protein sorting 13 homolog B; plus strand). Cytogenetic location: 8q22.2.
Variant type: single nucleotide variant.
Coding change: c.5502G>A on transcript NM_152564.5 (MANE Select); coding-DNA position 5502, G replaced by A.
Protein change: p.Ser1834=; no amino-acid change (serine 1834 retained).
Molecular consequence: synonymous variant.
Genome position (GRCh38, 1-based): chr8:99,642,092, G>A. VCF-style: chr8-99642092-G-A. GRCh37 (hg19) VCF-style: chr8-100654320-G-A.
Other names: c.5577G>A, p.Ser1859= (NM_017890.5); c.5502G>A (NM_152564.4).
Identifiers: ClinVar variation 589611 (VCV000589611.23), dbSNP rs143115716, ClinGen allele CA4823833.

ClinVar aggregate classification (germline): Likely benign. Review status: criteria provided, multiple submitters, no conflicts (2 of 4 stars). 5 submissions from 5 submitters: Likely benign (4). 1 of the submissions does not count toward it. Last evaluated 2026-02-01.

Conditions:
Cohen syndrome (COH1). Also called: Cutis verticis gyrata, retinitis pigmentosa, and sensorineural deafness; PEPPER SYNDROME. Identifiers: Orphanet 193, MedGen C0265223, MONDO:0008999, OMIM 216550.
VPS13B-related disorder. Also called: VPS13B-related condition.
Inborn genetic diseases. Identifiers: MedGen C0950123, MeSH D030342.

Allele frequency attached by ClinVar (database versions not stated): TOPMed 0.00033; 1000 Genomes Project 30x 0.00047; 1000 Genomes Project 0.00060; ESP Exome Variant Server 0.00069.
gnomAD v4.1: 161 of 1,613,952 alleles (0.01%); highest among the groups gnomAD compares: African/African-American, 0.1%; no homozygotes.

Submissions (5):

CeGaT Center for Human Genetics Tuebingen
Classification: Likely benign. Last evaluated: 2026-02-01. Review status: criteria provided, single submitter. Criteria: CeGaT Center For Human Genetics Tuebingen Variant Classification Criteria Version 2. Collection method: clinical testing. Allele origin: germline. Affected: yes. Observed: 1 variant allele.
Comment: VPS13B: BP4, BP7

Labcorp Genetics (formerly Invitae), Labcorp
Classification: Likely benign for Cohen syndrome. Last evaluated: 2026-01-26. Review status: criteria provided, single submitter. Criteria: Invitae Variant Classification Sherloc (09022015). Collection method: clinical testing. Allele origin: germline.

Blueprint Genetics
Classification: Likely benign. Last evaluated: 2022-11-15. Review status: criteria provided, single submitter. Criteria: ACMG Guidelines, 2015. Collection method: clinical testing. Allele origin: germline.

Ambry Genetics
Classification: Likely benign for Inborn genetic diseases. Last evaluated: 2017-04-20. Review status: criteria provided, single submitter. Criteria: Ambry Variant Classification Scheme 2023. Collection method: clinical testing. Allele origin: germline.

PreventionGenetics, part of Exact Sciences
Classification: Likely benign for VPS13B-related condition. Last evaluated: 2022-02-23. Review status: no assertion criteria provided. Collection method: clinical testing. Allele origin: germline. Not counted in ClinVar's aggregate classification.
Comment: This variant is classified as likely benign based on ACMG/AMP sequence variant interpretation guidelines (Richards et al. 2015 PMID: 25741868, with internal and published modifications).